The following is an entry in ClinVar:

ClinVar aggregate classification (germline): Uncertain significance (1 of 4 stars; one submission).

Conditions:
Hereditary cancer-predisposing syndrome. Also called: Neoplastic Syndromes, Hereditary; Tumor predisposition; Hereditary neoplastic syndrome; Hereditary Cancer Syndrome. Identifiers: Orphanet 140162, MedGen C0027672, MeSH D009386, MONDO:0015356.

Submission:

Ambry Genetics
Classification: Uncertain significance for Hereditary cancer-predisposing syndrome. Last evaluated: 2024-01-30. Review status: criteria provided, single submitter. Criteria: Ambry Variant Classification Scheme 2023. Collection method: clinical testing. Allele origin: germline.
Comment: The p.T143P variant (also known as c.427A>C), located in coding exon 3 of the DICER1 gene, results from an A to C substitution at nucleotide position 427. The threonine at codon 143 is replaced by proline, an amino acid with highly similar properties. This amino acid position is conserved. In addition, this alteration is predicted to be tolerated by in silico analysis. Based on the available evidence, the clinical significance of this alteration remains unclear.

NM_177438.3(DICER1):c.427A>C (p.Thr143Pro)

Gene: DICER1 (dicer 1, ribonuclease III; minus strand). Cytogenetic location: 14q32.13.
Variant type: single nucleotide variant.
Coding change: c.427A>C on transcript NM_177438.3 (MANE Select); coding-DNA position 427, A replaced by C.
Protein change: p.Thr143Pro; replaces threonine 143 with proline.
Molecular consequence: missense variant. On other transcripts: 5 prime UTR variant (2), non-coding transcript variant (5), intron variant (6).
Genome position (GRCh38, 1-based): chr14:95,131,520, T>G on the plus strand (A>C on the coding strand, the complement: DICER1 is on the minus strand). VCF-style: chr14-95131520-T-G. GRCh37 (hg19) VCF-style: chr14-95597857-T-G.
Other names: c.427A>C, p.Thr143Pro (NM_001195573.1, NM_001271282.3, NM_001291628.2 and 15 more transcripts); c.145A>C, p.Thr49Pro (NM_001395686.1); c.-32A>C (NM_001395691.1); c.-1142A>C (NM_001395697.1); c.33+995A>C (NM_001395690.1, NM_001395687.1, NM_001395689.1 and 3 more transcripts); short protein forms T143P, T49P.
Identifiers: ClinVar variation 3229406 (VCV003229406.1), dbSNP rs1060503612, ClinGen allele CA390888806.